The following is an entry in ClinVar:

NM_001184.4(ATR):c.5957A>G (p.Glu1986Gly)

Gene: ATR (ATR checkpoint kinase; minus strand). Cytogenetic location: 3q23.
Variant type: single nucleotide variant.
Coding change: c.5957A>G on transcript NM_001184.4 (MANE Select); coding-DNA position 5957, A replaced by G.
Protein change: p.Glu1986Gly; replaces glutamic acid 1986 with glycine.
Molecular consequence: missense variant.
Genome position (GRCh38, 1-based): chr3:142,493,253, T>C on the plus strand (A>G on the coding strand, the complement: ATR is on the minus strand). VCF-style: chr3-142493253-T-C. GRCh37 (hg19) VCF-style: chr3-142212095-T-C.
Other names: c.5765A>G, p.Glu1922Gly (NM_001354579.2); short protein forms E1986G, E1922G.
Identifiers: ClinVar variation 1750701 (VCV001750701.2), dbSNP rs2473143222, ClinGen allele CA354811702.
Genomic context (GRCh38, chr3:142,493,253, plus strand): 5'-ACTAGTAGCATAGCTCGACCATGGATTAACATGTTCTTACCCTCAGGTGGGGTTTCATTT[T>C]CAGGAAAACATAATTCAACACCTTTTTGAAGAACAATTAGTGCCTGGTGAACATCACCCT-3'
Protein context (NP_001175.2, residues 1976-1996): LQKGVELCFP[Glu1986Gly]NETPPEGKNM

ClinVar aggregate classification (germline): Uncertain significance (1 of 4 stars; one submission).

Conditions:
Inborn genetic diseases. Identifiers: MedGen C0950123, MeSH D030342.

Submission:

Ambry Genetics
Classification: Uncertain significance for Inborn genetic diseases. Last evaluated: 2021-06-13. Review status: criteria provided, single submitter. Criteria: Ambry Variant Classification Scheme 2023. Collection method: clinical testing. Allele origin: germline.
Comment: The p.E1986G variant (also known as c.5957A>G), located in coding exon 35 of the ATR gene, results from an A to G substitution at nucleotide position 5957. The glutamic acid at codon 1986 is replaced by glycine, an amino acid with similar properties. This amino acid position is conserved. In addition, this alteration is predicted to be tolerated by in silico analysis. Since supporting evidence is limited at this time, the clinical significance of this alteration remains unclear.